The following is an entry in ClinVar:

ClinVar aggregate classification (germline): Uncertain significance (1 of 4 stars; one submission).

Submission:

Labcorp Genetics (formerly Invitae), Labcorp
Classification: Uncertain significance. Last evaluated: 2022-08-25. Review status: criteria provided, single submitter. Criteria: Invitae Variant Classification Sherloc (09022015). Collection method: clinical testing. Allele origin: germline.
Comment: In summary, the available evidence is currently insufficient to determine the role of this variant in disease. Therefore, it has been classified as a Variant of Uncertain Significance. Algorithms developed to predict the effect of missense changes on protein structure and function (SIFT, PolyPhen-2, Align-GVGD) all suggest that this variant is likely to be disruptive. This variant has not been reported in the literature in individuals affected with KIF5B-related conditions. This variant is not present in population databases (gnomAD no frequency). This sequence change replaces asparagine, which is neutral and polar, with histidine, which is basic and polar, at codon 481 of the KIF5B protein (p.Asn481His).

NM_004521.3(KIF5B):c.1441A>C (p.Asn481His)

Gene: KIF5B (kinesin family member 5B; minus strand). Cytogenetic location: 10p11.22.
Variant type: single nucleotide variant.
Coding change: c.1441A>C on transcript NM_004521.3 (MANE Select); coding-DNA position 1441, A replaced by C.
Protein change: p.Asn481His; replaces asparagine 481 with histidine.
Molecular consequence: missense variant.
Genome position (GRCh38, 1-based): chr10:32,031,213, T>G on the plus strand (A>C on the coding strand, the complement: KIF5B is on the minus strand). VCF-style: chr10-32031213-T-G. GRCh37 (hg19) VCF-style: chr10-32320141-T-G.
Other names: short protein forms N481H.
Identifiers: ClinVar variation 1966889 (VCV001966889.5), dbSNP rs2491871828, ClinGen allele CA376451248.
Genomic context (GRCh38, chr10:32,031,213, plus strand): 5'-TGACAGCAAGTTCTTCTAGGGCCTGTAAAACTTCTTTCACTTCTTCTTTAGAGGCATCAT[T>G]TTCTGCTTGAAGGCGATTCAGCTCAGCTTGCATATTGTCTTGATCCCTTCTGGTAGATGC-3'
Protein context (NP_004512.1, residues 471-491): QAELNRLQAE[Asn481His]DASKEEVKEV